The following is an entry in ClinVar:

ClinVar aggregate classification (germline): Conflicting classifications of pathogenicity. Review status: criteria provided, conflicting classifications (1 of 4 stars). 7 submissions from 7 submitters: Uncertain significance (3); Likely benign (3). 1 of the submissions does not count toward it. Last evaluated 2025-10-21.

Conditions:
Hereditary cancer-predisposing syndrome. Also called: Neoplastic Syndromes, Hereditary; Tumor predisposition; Hereditary Cancer Syndrome; Hereditary neoplastic syndrome. Identifiers: Orphanet 140162, MedGen C0027672, MeSH D009386, MONDO:0015356.
Hereditary breast ovarian cancer syndrome. Also called: BRCA1- and BRCA2-Associated Hereditary Breast and Ovarian Cancer; Hereditary breast and ovarian cancer syndrome; Hereditary breast and ovarian cancer; Hereditary breast and ovarian cancer syndrome (HBOC); Breast and ovarian cancer; Hereditary breast and/or ovarian cancer syndrome. Identifiers: Orphanet 145, MedGen C0677776, MeSH D061325, MONDO:0003582. Disease mechanism: loss of function.

Allele frequency attached by ClinVar (database versions not stated): gnomAD exomes below 0.00001; TOPMed below 0.00001.
gnomAD v4.1: 6 of 1,613,874 alleles (0.00037%); highest among the groups gnomAD compares: Non-Finnish European, 0.00051%; no homozygotes.

Submissions (7):

Labcorp Genetics (formerly Invitae), Labcorp
Classification: Uncertain significance for Hereditary breast ovarian cancer syndrome. Last evaluated: 2025-10-21. Review status: criteria provided, single submitter. Criteria: Invitae Variant Classification Sherloc (09022015). Collection method: clinical testing. Allele origin: germline.
Comment: This sequence change replaces serine, which is neutral and polar, with alanine, which is neutral and non-polar, at codon 1817 of the BRCA2 protein (p.Ser1817Ala). This variant is not present in population databases (gnomAD no frequency). This variant has not been reported in the literature in individuals affected with BRCA2-related conditions. ClinVar contains an entry for this variant (Variation ID: 230439). Invitae Evidence Modeling of protein sequence and biophysical properties (such as structural, functional, and spatial information, amino acid conservation, physicochemical variation, residue mobility, and thermodynamic stability) indicates that this missense variant is not expected to disrupt BRCA2 protein function with a negative predictive value of 95%. In summary, the available evidence is currently insufficient to determine the role of this variant in disease. Therefore, it has been classified as a Variant of Uncertain Significance.

Color Diagnostics, LLC DBA Color Health
Classification: Likely benign for Hereditary cancer-predisposing syndrome. Last evaluated: 2025-10-14. Review status: criteria provided, single submitter. Criteria: ACMG Guidelines, 2015. Collection method: clinical testing. Allele origin: germline.

Ambry Genetics
Classification: Likely benign for Hereditary cancer-predisposing syndrome. Last evaluated: 2024-12-31. Review status: criteria provided, single submitter. Criteria: Ambry Variant Classification Scheme 2023. Collection method: clinical testing. Allele origin: germline.

GeneDx
Classification: Uncertain significance. Last evaluated: 2023-08-15. Review status: criteria provided, single submitter. Criteria: GeneDx Variant Classification Process June 2021. Collection method: clinical testing. Allele origin: germline. Affected: yes.
Comment: Not observed at significant frequency in large population cohorts (gnomAD); In silico analysis supports that this missense variant does not alter protein structure/function; Also known as 5677T>G; Identified in individual(s) with personal and/or family history of breast cancer (Lerner-Ellis et al., 2021); This variant is associated with the following publications: (PMID: 32377563, 29884841, 31853058, 32885271)

University of Washington Department of Laboratory Medicine, University of Washington
Classification: Likely benign for Hereditary cancer-predisposing syndrome. Last evaluated: 2023-03-23. Review status: criteria provided, single submitter. Criteria: Dines et al. (Genet Med. 2020). Collection method: curation. Allele origin: germline.
Comment: Missense variant in a coldspot region where missense variants are very unlikely to be pathogenic (PMID:31911673).

BRCA2 exon 11 coldspot. Reclassification based on statistical prior probability.

Quest Diagnostics Nichols Institute San Juan Capistrano
Classification: Uncertain significance. Last evaluated: 2021-07-21. Review status: criteria provided, single submitter. Criteria: Quest Diagnostics criteria. Collection method: clinical testing. Allele origin: unknown.

Department of Pathology and Laboratory Medicine, Sinai Health System
Classification: Uncertain significance. Review status: no assertion criteria provided. Collection method: clinical testing. Allele origin: unknown. Affected: yes. Study: The Canadian Open Genetics Repository (COGR). Not counted in ClinVar's aggregate classification.
Comment: The BRCA2 p.Ser1817Ala variant was not identified in the literature nor was it identified in the LOVD 3.0 and UMD-LSDB databases. The variant was identified in dbSNP (rs876658566) as â€šÃ„Ãºwith uncertain significance alleleâ€šÃ„Ã¹ and ClinVar (classified as uncertain significance by Ambry Genetics). The variant was not identified in the following control databases: the Exome Aggregation Consortium (August 8th 2016), or the Genome Aggregation Database (Feb 27, 2017). The p.Ser1817 residue is not conserved in mammals and computational analyses (PolyPhen-2, SIFT, AlignGVGD, BLOSUM, MutationTaster) do not suggest a high likelihood of impact to the protein; however, this information is not predictive enough to rule out pathogenicity. The variant occurs outside of the splicing consensus sequence and in silico or computational prediction software programs (SpliceSiteFinder, MaxEntScan, NNSPLICE, GeneSplicer) do not predict a difference in splicing. In summary, based on the above information the clinical significance of this variant cannot be determined with certainty at this time. This variant is classified as a variant of uncertain significance.

Literature cited by the submitters: PubMed 32885271 (cited by Ambry Genetics).

NM_000059.4(BRCA2):c.5449T>G (p.Ser1817Ala)

Gene: BRCA2 (BRCA2 DNA repair associated; plus strand). Cytogenetic location: 13q13.1.
Variant type: single nucleotide variant.
Coding change: c.5449T>G on transcript NM_000059.4 (MANE Select); coding-DNA position 5449, T replaced by G.
Protein change: p.Ser1817Ala; replaces serine 1817 with alanine.
Molecular consequence: missense variant.
Genome position (GRCh38, 1-based): chr13:32,339,804, T>G. VCF-style: chr13-32339804-T-G. GRCh37 (hg19) VCF-style: chr13-32913941-T-G.
Other names: short protein forms S1817A.
Identifiers: ClinVar variation 230439 (VCV000230439.25), dbSNP rs876658566, ClinGen allele CA10579655.
Genomic context (GRCh38, chr13:32,339,804, plus strand): 5'-GCAAATGCATACCCACAAACTGTAAATGAAGATATTTGCGTTGAGGAACTTGTGACTAGC[T>G]CTTCACCCTGCAAAAATAAAAATGCAGCCATTAAATTGTCCATATCTAATAGTAATAATT-3'
Protein context (NP_000050.3, residues 1807-1827): DICVEELVTS[Ser1817Ala]SPCKNKNAAI